The following is an entry in ClinVar:

ClinVar aggregate classification (germline): Uncertain significance (1 of 4 stars; one submission).

Allele frequency attached by ClinVar (database versions not stated): gnomAD exomes below 0.00001.

Submission:

GeneDx
Classification: Uncertain significance. Last evaluated: 2018-09-20. Review status: criteria provided, single submitter. Criteria: GeneDx Variant Classification (06012015). Collection method: clinical testing. Allele origin: germline. Affected: yes.
Comment: The F238S variant in the TALDO1 gene has not been reported previously as a pathogenic variant, nor as a benign variant, to our knowledge. The F238S variant is not observed in large population cohorts (Lek et al., 2016; 1000 Genomes Consortium et al., 2015; Exome Variant Server). The F238S variant is a non-conservative amino acid substitution, which is likely to impact secondary protein structure as these residues differ in polarity, charge, size and/or other properties. This substitution occurs at a position that is conserved across species. In silico analysis predicts this variant is probably damaging to the protein structure/function. We interpret F238S as a variant of uncertain significance.

NM_006755.2(TALDO1):c.713T>C (p.Phe238Ser)

Gene: TALDO1 (transaldolase 1; plus strand). Cytogenetic location: 11p15.5.
Variant type: single nucleotide variant.
Coding change: c.713T>C on transcript NM_006755.2 (MANE Select); coding-DNA position 713, T replaced by C.
Protein change: p.Phe238Ser; replaces phenylalanine 238 with serine.
Molecular consequence: missense variant.
Genome position (GRCh38, 1-based): chr11:763,822, T>C. VCF-style: chr11-763822-T-C. GRCh37 (hg19) VCF-style: chr11-763822-T-C.
Other names: short protein forms F238S.
Identifiers: ClinVar variation 424254 (VCV000424254.2), dbSNP rs1064796881, ClinGen allele CA16619407.